The following is an entry in ClinVar:

NM_000492.4(CFTR):c.*55_*85del

Gene: CFTR (CF transmembrane conductance regulator; plus strand). Cytogenetic location: 7q31.2.
Variant type: Deletion.
Coding change: c.*55_*85del on transcript NM_000492.4 (MANE Select); 55 bases downstream of the stop codon through 85 bases downstream of the stop codon, 31 bases deleted.
Molecular consequence: 3 prime UTR variant.
Genome position (GRCh38, 1-based): chr7:117,667,163-117,667,193, 31 bases deleted; deleting any 31 consecutive bases within chr7:117,667,141-117,667,193 gives the same sequence; the c. name uses the placement nearest the transcript's 3' end. GRCh37 (hg19): chr7:117,307,217-117,307,247.
Other names: c.*55_*85del31 (NM_000492.3).
Identifiers: ClinVar variation 4532955 (VCV004532955.1).
Genomic context (GRCh38, chr7:117,667,140, plus strand): 5'-AAGAAGAGGTGCAAGATACAAGGCTTTAGAGAGCAGCATAAATGTTGACATGGGACATTT[GCTCATGGAATTGGAGCTCGTGGGACAGTCAC>G]CTCATGGAATTGGAGCTCGTGGAACAGTTACCTCTGCCTCAGAAAACAAGGATGAATTAA-3'

ClinVar aggregate classification (germline): Uncertain significance (1 of 4 stars; one submission).

Submission:

Quest Diagnostics Nichols Institute San Juan Capistrano
Classification: Uncertain significance. Last evaluated: 2025-06-26. Review status: criteria provided, single submitter. Criteria: Quest Diagnostics criteria. Collection method: clinical testing. Allele origin: unknown.
Comment: The CFTR c.*55_*85del variant has not been reported in individuals with CFTR-related conditions in the published literature. The frequency of this variant in the general population (Genome Aggregation Database) is uninformative in the assessment of its pathogenicity. Analysis of this variant using software algorithms for the prediction of the effect of nucleotide changes on splicing yielded predictions that this variant does not affect CFTR mRNA splicing. Based on the available information, we are unable to determine the clinical significance of this variant.